The following is an entry in ClinVar:

NM_170784.3(MKKS):c.7C>T (p.Arg3Cys)

Gene: MKKS (MKKS centrosomal shuttling protein; minus strand). Cytogenetic location: 20p12.2.
Variant type: single nucleotide variant.
Coding change: c.7C>T on transcript NM_170784.3 (MANE Select); coding-DNA position 7, C replaced by T.
Protein change: p.Arg3Cys; replaces arginine 3 with cysteine.
Molecular consequence: missense variant.
Genome position (GRCh38, 1-based): chr20:10,413,508, G>A on the plus strand (C>T on the coding strand, the complement: MKKS is on the minus strand). VCF-style: chr20-10413508-G-A. GRCh37 (hg19) VCF-style: chr20-10394156-G-A.
Other names: c.7C>T, p.Arg3Cys (NM_018848.3); short protein forms R3C.
Identifiers: ClinVar variation 955812 (VCV000955812.19), dbSNP rs779042065, ClinGen allele CA9763765.

ClinVar aggregate classification (germline): Uncertain significance. Review status: criteria provided, multiple submitters, no conflicts (2 of 4 stars). 7 submissions from 7 submitters: Uncertain significance (6). 1 of the submissions does not count toward it. Last evaluated 2024-04-04.

Conditions:
McKusick-Kaufman syndrome (MKKS). Also called: HYDROMETROCOLPOS SYNDROME; HYDROMETROCOLPOS, POSTAXIAL POLYDACTYLY, AND CONGENITAL HEART MALFORMATION. Identifiers: Orphanet 2473, MedGen C0948368, MONDO:0009367, OMIM 236700.
Bardet-Biedl syndrome 6 (BBS6). Identifiers: Orphanet 110, MedGen C1858054, MONDO:0011523, OMIM 605231.
Bardet-Biedl syndrome (BBS). Identifiers: Orphanet 110, MedGen C0752166, MONDO:0015229.
MKKS-related disorder. Also called: MKKS-related condition; MKKS-related disorders.

Allele frequency attached by ClinVar (database versions not stated): gnomAD 0.00004 and 0.00005; TOPMed 0.00006; gnomAD exomes 0.00007 and 0.00010; ExAC 0.00011.
gnomAD v4.1: 112 of 1,614,028 alleles (0.0069%); highest among the groups gnomAD compares: Middle Eastern, 0.18%; 2 homozygotes.

Submissions (7):

Fulgent Genetics
Classification: Uncertain significance for McKusick-Kaufman syndrome; Bardet-Biedl syndrome 6. Last evaluated: 2024-04-04. Review status: criteria provided, single submitter. Criteria: ACMG Guidelines, 2015. Collection method: clinical testing. Allele origin: germline.

Blueprint Genetics
Classification: Uncertain significance. Last evaluated: 2023-09-04. Review status: criteria provided, single submitter. Criteria: ACMG Guidelines, 2015. Collection method: clinical testing. Allele origin: germline.

SN ONGC Dept of Genetics and Molecular biology Vision Research Foundation
Classification: Uncertain significance for Bardet-Biedl syndrome. Last evaluated: 2023-06-02. Review status: criteria provided, single submitter. Criteria: ACMG Guidelines, 2015. Collection method: research. Allele origin: unknown. Affected: yes. Observed: 1 heterozygote.
Comment: This variant was observed in digenic inheritance with the variant NC_000012.11:g.76741032A>C.

Labcorp Genetics (formerly Invitae), Labcorp
Classification: Uncertain significance for McKusick-Kaufman syndrome; Bardet-Biedl syndrome. Last evaluated: 2022-08-17. Review status: criteria provided, single submitter. Criteria: Invitae Variant Classification Sherloc (09022015). Collection method: clinical testing. Allele origin: germline.
Comment: This sequence change replaces arginine, which is basic and polar, with cysteine, which is neutral and slightly polar, at codon 3 of the MKKS protein (p.Arg3Cys). This variant is present in population databases (rs779042065, gnomAD 0.02%). This variant has not been reported in the literature in individuals affected with MKKS-related conditions. ClinVar contains an entry for this variant (Variation ID: 955812). Algorithms developed to predict the effect of missense changes on protein structure and function output the following: SIFT: "Deleterious"; PolyPhen-2: "Possibly Damaging"; Align-GVGD: "Class C0". The cysteine amino acid residue is found in multiple mammalian species, which suggests that this missense change does not adversely affect protein function. In summary, the available evidence is currently insufficient to determine the role of this variant in disease. Therefore, it has been classified as a Variant of Uncertain Significance.

GeneDx
Classification: Uncertain significance. Last evaluated: 2021-06-30. Review status: criteria provided, single submitter. Criteria: GeneDx Variant Classification Process June 2021. Collection method: clinical testing. Allele origin: germline. Affected: yes.
Comment: In silico analysis supports that this missense variant has a deleterious effect on protein structure/function; Has not been previously published as pathogenic or benign to our knowledge; This variant is associated with the following publications: (PMID: 27535533)

Genetic Services Laboratory, University of Chicago
Classification: Uncertain significance. Last evaluated: 2021-03-08. Review status: criteria provided, single submitter. Criteria: ACMG Guidelines, 2015. Collection method: clinical testing. Allele origin: germline. Affected: no.
Comment: DNA sequence analysis of the MKKS gene demonstrated a sequence change, c.7C>T, in exon 3 that results in an amino acid change, p.Arg3Cys. This sequence change has been described in gnomAD with a population frequency of 0.0089% (dbSNP rs779042065). The p.Arg3Cys change affects a highly conserved amino acid residue located in a domain of the MKKS protein that is not known to be functional. In-silico pathogenicity prediction tools (SIFT, PolyPhen2, Align GVGD, REVEL) provide contradictory results for the p.Arg3Cys substitution. This sequence change does not appear to have been previously described in patients with MKKS-related disorders Due to the lack of sufficient evidences, the clinical significance of the p.Arg3Cys change remains unknown at this time.

PreventionGenetics, part of Exact Sciences
Classification: Uncertain significance for MKKS-related condition. Last evaluated: 2024-05-28. Review status: no assertion criteria provided. Collection method: clinical testing. Allele origin: germline. Not counted in ClinVar's aggregate classification.
Comment: The MKKS c.7C>T variant is predicted to result in the amino acid substitution p.Arg3Cys. This variant was reported as a single MKKS allele in an individual from a large Bardet-Biedl syndrome cohort; however, no additional evidence was provided to support pathogenicity (Gnanasekaran et al 2023. PubMed ID: 37431782). This variant is reported in 0.016% of alleles in individuals of South Asian descent in gnomAD. At this time, the clinical significance of this variant is uncertain due to the absence of conclusive functional and genetic evidence.